The following is an entry in ClinVar:

ClinVar aggregate classification (germline): Conflicting classifications of pathogenicity. Review status: criteria provided, conflicting classifications (1 of 4 stars). 2 submissions from 2 submitters: Uncertain significance (1); Likely benign (1). Last evaluated 2025-05-04.

Conditions:
Hereditary cancer-predisposing syndrome. Also called: Hereditary Cancer Syndrome; Hereditary neoplastic syndrome; Neoplastic Syndromes, Hereditary; Tumor predisposition. Identifiers: Orphanet 140162, MedGen C0027672, MeSH D009386, MONDO:0015356.

Submissions (2):

Labcorp Genetics (formerly Invitae), Labcorp
Classification: Uncertain significance. Last evaluated: 2025-05-04. Review status: criteria provided, single submitter. Criteria: Invitae Variant Classification Sherloc (09022015). Collection method: clinical testing. Allele origin: germline.
Comment: This sequence change replaces isoleucine, which is neutral and non-polar, with leucine, which is neutral and non-polar, at codon 237 of the MSH3 protein (p.Ile237Leu). This variant is not present in population databases (gnomAD no frequency). This variant has not been reported in the literature in individuals affected with MSH3-related conditions. ClinVar contains an entry for this variant (Variation ID: 1063310). An algorithm developed to predict the effect of missense changes on protein structure and function outputs the following: PolyPhen-2: "Benign". The leucine amino acid residue is found in multiple mammalian species, which suggests that this missense change does not adversely affect protein function. In summary, the available evidence is currently insufficient to determine the role of this variant in disease. Therefore, it has been classified as a Variant of Uncertain Significance.

Ambry Genetics
Classification: Likely benign for Hereditary cancer-predisposing syndrome. Last evaluated: 2021-04-16. Review status: criteria provided, single submitter. Criteria: Ambry Variant Classification Scheme 2023. Collection method: clinical testing. Allele origin: germline.

NM_002439.5(MSH3):c.709A>C (p.Ile237Leu)

Gene: MSH3 (mutS homolog 3; plus strand). Cytogenetic location: 5q14.1.
Variant type: single nucleotide variant.
Coding change: c.709A>C on transcript NM_002439.5 (MANE Select); coding-DNA position 709, A replaced by C.
Protein change: p.Ile237Leu; replaces isoleucine 237 with leucine.
Molecular consequence: missense variant.
Genome position (GRCh38, 1-based): chr5:80,670,226, A>C. VCF-style: chr5-80670226-A-C. GRCh37 (hg19) VCF-style: chr5-79966045-A-C.
Other names: short protein forms I237L.
Identifiers: ClinVar variation 1063310 (VCV001063310.11), dbSNP rs779129001, ClinGen allele CA360266840.